The following is an entry in ClinVar:

NM_004304.5(ALK):c.1155T>C (p.Gly385=)

Gene: ALK (ALK receptor tyrosine kinase; minus strand). Cytogenetic location: 2p23.2.
Variant type: single nucleotide variant.
Coding change: c.1155T>C on transcript NM_004304.5 (MANE Select); coding-DNA position 1155, T replaced by C.
Protein change: p.Gly385=; no amino-acid change (glycine 385 retained).
Molecular consequence: synonymous variant.
Genome position (GRCh38, 1-based): chr2:29,383,859, A>G on the plus strand (T>C on the coding strand, the complement: ALK is on the minus strand). VCF-style: chr2-29383859-A-G. GRCh37 (hg19) VCF-style: chr2-29606725-A-G.
Identifiers: ClinVar variation 1022772 (VCV001022772.11), dbSNP rs369505500, ClinGen allele CA1594734.
Genomic context (GRCh38, chr2:29,383,859, plus strand): 5'-TTCCAGGGCCACTCGAAATGGGTTGTCTGGACGCCCGATTCTTCCCTGGAGCACTGTCCA[A>G]CTGGTTGCATTGGAAAACAGAGGAGAAAAGCATAGAGAAACAGATATGAGAATTAGGCCT-3'
Protein context (NP_004295.2, residues 375-395): ILLMPTPGKH[Gly385=]WTVLQGRIGR

ClinVar aggregate classification (germline): Conflicting classifications of pathogenicity. Review status: criteria provided, conflicting classifications (1 of 4 stars). 2 submissions from 2 submitters: Uncertain significance (1); Likely benign (1). Last evaluated 2025-09-16.

Conditions:
Hereditary cancer-predisposing syndrome. Also called: Hereditary neoplastic syndrome; Neoplastic Syndromes, Hereditary; Tumor predisposition; Hereditary Cancer Syndrome. Identifiers: Orphanet 140162, MedGen C0027672, MeSH D009386, MONDO:0015356.
Neuroblastoma, susceptibility to, 3. Also called: ALK-Related Neuroblastic Tumor Susceptibility. Identifiers: Orphanet 635, MedGen C2751681, MONDO:0013083, OMIM 613014.

Allele frequency attached by ClinVar (database versions not stated): gnomAD 0.00001 and 0.00002; gnomAD exomes 0.00001; TOPMed 0.00001; ExAC 0.00002; ESP Exome Variant Server 0.00008; 1000 Genomes Project 30x 0.00016; 1000 Genomes Project 0.00020.
gnomAD v4.1: 10 of 1,614,050 alleles (0.00062%); highest among the groups gnomAD compares: African/African-American, 0.0053%; no homozygotes.

Submissions (2):

Labcorp Genetics (formerly Invitae), Labcorp
Classification: Uncertain significance for Neuroblastoma, susceptibility to, 3. Last evaluated: 2025-09-16. Review status: criteria provided, single submitter. Criteria: Invitae Variant Classification Sherloc (09022015). Collection method: clinical testing. Allele origin: germline.
Comment: This sequence change affects codon 385 of the ALK mRNA. It is a 'silent' change, meaning that it does not change the encoded amino acid sequence of the ALK protein. It affects a nucleotide within the consensus splice site. This variant is present in population databases (rs369505500, gnomAD 0.008%). This variant has not been reported in the literature in individuals affected with ALK-related conditions. ClinVar contains an entry for this variant (Variation ID: 1022772). Algorithms developed to predict the effect of sequence changes on RNA splicing suggest that this variant is not likely to affect RNA splicing. In summary, the available evidence is currently insufficient to determine the role of this variant in disease. Therefore, it has been classified as a Variant of Uncertain Significance.

Ambry Genetics
Classification: Likely benign for Hereditary cancer-predisposing syndrome. Last evaluated: 2022-07-05. Review status: criteria provided, single submitter. Criteria: Ambry Variant Classification Scheme 2023. Collection method: clinical testing. Allele origin: germline.